The following is an entry in ClinVar:

NM_022172.2(PC):c.[2095G>A];[2095G>T]

Variant type: CompoundHeterozygote.
Identifiers: ClinVar variation 427818 (VCV000427818.1).

ClinVar aggregate classification (germline): Likely pathogenic (0 of 4 stars; one submission).

Conditions:
Pyruvate carboxylase deficiency. Also called: ATAXIA WITH LACTIC ACIDOSIS II; Pyruvate Carboxylase Deficiency Disease; LEIGH NECROTIZING ENCEPHALOPATHY DUE TO PYRUVATE CARBOXYLASE DEFICIENCY; LEIGH SYNDROME DUE TO PYRUVATE CARBOXYLASE DEFICIENCY; PC DEFICIENCY. Identifiers: Orphanet 3008, MedGen C0034341, MONDO:0009949, OMIM 266150.

Submission:

Foundation for Research in Genetics and Endocrinology, FRIGE's Institute of Human Genetics
Classification: Likely pathogenic for Pyruvate carboxylase deficiency. Last evaluated: 2014-11-05. Review status: no assertion criteria provided. Collection method: clinical testing. Allele origin: germline. Inheritance: Autosomal recessive inheritance. Affected: yes. Observed: 1 variant allele, 1 compound heterozygote.
Comment: Both the mutations were likely to be pathogenic by online software including MutationTaster, SIFT and Polyphen.